The following is an entry in ClinVar:

NM_000344.4(SMN1):c.835-13A>T

Gene: SMN1 (survival of motor neuron 1, telomeric). Cytogenetic location: 5q13.2.
Variant type: single nucleotide variant.
Coding change: c.835-13A>T on transcript NM_000344.4 (MANE Select); 13 bases into the intron before coding-DNA position 835, A replaced by T.
Molecular consequence: intron variant.
Genome position (GRCh38, 1-based): chr5:70,951,928, A>T. VCF-style: chr5-70951928-A-T. GRCh37 (hg19) VCF-style: chr5-70247755-A-T.
Other names: c.835-511A>T (NM_001297715.1); c.739-13A>T (NM_022874.2).
Identifiers: ClinVar variation 633425 (VCV000633425.1), dbSNP rs1561503068, ClinGen allele CA913189608.
Genomic context (GRCh38, chr5:70,951,928, plus strand): 5'-TATAAAGCTATCTATATATAGCTATCTATGTCTATATAGCTATTTTTTTTAACTTCCTTT[A>T]TTTTCCTTACAGGGTTTCAGACAAAATCAAAAAGAAGGAAGGTGCTCACATTCCTTAAAT-3'

ClinVar aggregate classification (germline): Uncertain significance (1 of 4 stars; one submission).

Submission:

Women's Health and Genetics/Laboratory Corporation of America, LabCorp
Classification: Uncertain significance. Last evaluated: 2018-12-11. Review status: criteria provided, single submitter. Criteria: LabCorp Variant Classification Summary - May 2015. Collection method: clinical testing. Allele origin: germline.
Comment: Variant summary: SMN1 c.835-13A>T alters a non-conserved nucleotide located close to a canonical splice site and therefore could affect mRNA splicing, leading to a significantly altered protein sequence. 5/5 computational tools predict no significant impact on normal splicing. However, these predictions have yet to be confirmed by functional studies. The variant was absent in 243080 control chromosomes (gnomAD). The available data on variant occurrences in the general population are insufficient to allow any conclusion about variant significance. To our knowledge, no occurrence of c.835-13A>T in individuals affected with Spinal Muscular Atrophy and no experimental evidence demonstrating its impact on protein function have been reported. No clinical diagnostic laboratories have submitted clinical-significance assessments for this variant to ClinVar after 2014. Based on the evidence outlined above, the variant was classified as uncertain significance.